The following is an entry in ClinVar:

ClinVar aggregate classification (germline): Uncertain significance. Review status: criteria provided, multiple submitters, no conflicts (2 of 4 stars). 8 submissions from 8 submitters: Uncertain significance (8). Last evaluated 2025-11-10.

Conditions:
Weill-Marchesani syndrome 2, dominant. Also called: FBN1-Related Weill-Marchesani Syndrome; Weill-Marchesani Syndrome, Autosomal Dominant. Identifiers: Orphanet 2084, MedGen C1869115, MONDO:0012013, OMIM 608328.
Ectopia lentis 1, isolated, autosomal dominant (ECTOL1). Identifiers: Orphanet 1885, MedGen C3541518, MONDO:0007514, OMIM 129600.
Marfan syndrome (MFS). Also called: MARFAN SYNDROME, TYPE I; FBN1-Related Marfan Syndrome; Marfan syndrome type 1; Marfan's syndrome; Marfan syndrome, classic. Identifiers: Orphanet 284963, Orphanet 558, MedGen C0024796, MONDO:0007947, OMIM 154700.
Stiff skin syndrome (SSKS). Identifiers: Orphanet 2833, MedGen C1861456, MONDO:0008492, OMIM 184900.
Acromicric dysplasia (ACMICD). Also called: Acromicric skeletal dysplasia. Identifiers: Orphanet 969, MedGen C0265287, MONDO:0007055, OMIM 102370.
Progeroid and marfanoid aspect-lipodystrophy syndrome. Also called: MARFANOID-PROGEROID SYNDROME; MARFAN-PROGEROID-LIPODYSTROPHY SYNDROME; Marfan lipodystrophy syndrome; MARFANOID-PROGEROID-LIPODYSTROPHY SYNDROME. Identifiers: Orphanet 300382, MedGen C4310796, MONDO:0014831, OMIM 616914.
MASS syndrome (OCTD). Also called: MASS PHENOTYPE; OVERLAP CONNECTIVE TISSUE DISEASE. Identifiers: MedGen C1858556, MONDO:0011431, OMIM 604308.
Geleophysic dysplasia 2 (GPHYSD2). Identifiers: Orphanet 2623, MedGen C3280054, MONDO:0013612, OMIM 614185.
Familial thoracic aortic aneurysm and aortic dissection (TAAD). Also called: Thoracic aortic aneurysms and dissections. Identifiers: Orphanet 91387, MedGen C4707243, MONDO:0019625.

Allele frequency attached by ClinVar (database versions not stated): TOPMed below 0.00001.
gnomAD v4.1: 21 of 1,613,936 alleles (0.0013%); highest among the groups gnomAD compares: Admixed American, 0.0067%; no homozygotes.

Submissions (8):

Labcorp Genetics (formerly Invitae), Labcorp
Classification: Uncertain significance for Marfan syndrome; Familial thoracic aortic aneurysm and aortic dissection. Last evaluated: 2025-11-10. Review status: criteria provided, single submitter. Criteria: Invitae Variant Classification Sherloc (09022015). Collection method: clinical testing. Allele origin: germline.
Comment: This sequence change replaces arginine, which is basic and polar, with tryptophan, which is neutral and slightly polar, at codon 525 of the FBN1 protein (p.Arg525Trp). This variant is present in population databases (rs768253008, gnomAD 0.01%). This variant has not been reported in the literature in individuals affected with FBN1-related conditions. ClinVar contains an entry for this variant (Variation ID: 457164). Invitae Evidence Modeling of protein sequence and biophysical properties (such as structural, functional, and spatial information, amino acid conservation, physicochemical variation, residue mobility, and thermodynamic stability) indicates that this missense variant is expected to disrupt FBN1 protein function with a positive predictive value of 80%. In summary, the available evidence is currently insufficient to determine the role of this variant in disease. Therefore, it has been classified as a Variant of Uncertain Significance.

All of Us Research Program, National Institutes of Health
Classification: Uncertain significance for Marfan syndrome. Last evaluated: 2023-12-13. Review status: criteria provided, single submitter. Criteria: ACMG Guidelines, 2015. Collection method: clinical testing. Allele origin: germline. Inheritance: Autosomal dominant inheritance. Observed: 5 variant alleles, 5 heterozygotes.
Comment: This missense variant replaces arginine with tryptophan at codon 525 of the FBN1 protein. Computational prediction suggests that this variant may have deleterious impact on protein structure and function (internally defined REVEL score threshold >= 0.7, PMID: 27666373). To our knowledge, functional studies have not been reported for this variant. This variant has not been reported in individuals affected with cardiovascular disorders in the literature. This variant has been identified in 5/251290 chromosomes in the general population by the Genome Aggregation Database (gnomAD). The available evidence is insufficient to determine the role of this variant in disease conclusively. Therefore, this variant is classified as a Variant of Uncertain Significance.

This study involves interpretation of variants in research participants for the purpose of population health screening. Participant phenotype was not available at the time of variant classification. Additional details can be found in publication PMID: 35346344, PMCID: PMC8962531

Color Diagnostics, LLC DBA Color Health
Classification: Uncertain significance for Familial thoracic aortic aneurysm and aortic dissection. Last evaluated: 2023-10-25. Review status: criteria provided, single submitter. Criteria: ACMG Guidelines, 2015. Collection method: clinical testing. Allele origin: germline.
Comment: This missense variant replaces arginine with tryptophan at codon 525 of the FBN1 protein. Computational prediction suggests that this variant may have deleterious impact on protein structure and function (internally defined REVEL score threshold >= 0.7, PMID: 27666373). To our knowledge, functional studies have not been reported for this variant. This variant has been reported in one individual who was affected with ischemic stroke (PMID: 36973604). This variant has been identified in 5/251290 chromosomes in the general population by the Genome Aggregation Database (gnomAD). The available evidence is insufficient to determine the role of this variant in disease conclusively. Therefore, this variant is classified as a Variant of Uncertain Significance.

ARUP Laboratories, Molecular Genetics and Genomics, ARUP Laboratories
Classification: Uncertain significance. Last evaluated: 2023-10-19. Review status: criteria provided, single submitter. Criteria: ARUP Molecular Germline Variant Investigation Process 2024. Collection method: clinical testing. Allele origin: germline.
Comment: The FBN1 c.1573C>T; p.Arg525Trp variant (rs768253008), to our knowledge, is not reported in the medical literature but is reported in ClinVar (Variation ID: 457164). This variant is found in the Latino/Admixed American population with an allele frequency of 0.015% (5/34,564 alleles) in the Genome Aggregation Database. Computational analyses predict that this variant is deleterious (REVEL: 0.731). However, given the lack of clinical and functional data, the significance of this variant is uncertain at this time.

Mayo Clinic Laboratories, Mayo Clinic
Classification: Uncertain significance. Last evaluated: 2022-09-20. Review status: criteria provided, single submitter. Criteria: ACMG Guidelines, 2015. Collection method: clinical testing. Allele origin: germline. Observed: 1 variant allele.
Comment: BS1

AiLife Diagnostics
Classification: Uncertain significance. Last evaluated: 2021-12-30. Review status: criteria provided, single submitter. Criteria: ACMG Guidelines, 2015. Collection method: clinical testing. Allele origin: germline. Affected: yes. Observed: 1 variant allele.

Fulgent Genetics
Classification: Uncertain significance for Acromicric dysplasia; Ectopia lentis 1, isolated, autosomal dominant; Marfan syndrome; Stiff skin syndrome; MASS syndrome; Weill-Marchesani syndrome 2, dominant; Geleophysic dysplasia 2; Progeroid and marfanoid aspect-lipodystrophy syndrome. Last evaluated: 2021-10-05. Review status: criteria provided, single submitter. Criteria: ACMG Guidelines, 2015. Collection method: clinical testing. Allele origin: unknown.

Breakthrough Genomics
Classification: Uncertain significance. Review status: criteria provided, single submitter. Criteria: ACMG Guidelines, 2015. Collection method: not provided. Allele origin: germline. Inheritance: Autosomal dominant inheritance. Affected: yes.

Literature cited by the submitters: PubMed 36973604 (cited by Color Diagnostics, LLC DBA Color Health).

NM_000138.5(FBN1):c.1573C>T (p.Arg525Trp)

Gene: FBN1 (fibrillin 1; minus strand). Cytogenetic location: 15q21.1.
Variant type: single nucleotide variant.
Coding change: c.1573C>T on transcript NM_000138.5 (MANE Select); coding-DNA position 1573, C replaced by T.
Protein change: p.Arg525Trp; replaces arginine 525 with tryptophan.
Molecular consequence: missense variant.
Genome position (GRCh38, 1-based): chr15:48,513,564, G>A on the plus strand (C>T on the coding strand, the complement: FBN1 is on the minus strand). VCF-style: chr15-48513564-G-A. GRCh37 (hg19) VCF-style: chr15-48805761-G-A.
Other names: p.Arg525Trp; short protein forms R525W.
Identifiers: ClinVar variation 457164 (VCV000457164.24), dbSNP rs768253008, ClinGen allele CA045063.